The following is an entry in ClinVar:

NM_000257.4(MYH7):c.599C>T (p.Ala200Val)

Gene: MYH7 (myosin heavy chain 7; minus strand). Cytogenetic location: 14q11.2.
Variant type: single nucleotide variant.
Coding change: c.599C>T on transcript NM_000257.4 (MANE Select); coding-DNA position 599, C replaced by T.
Protein change: p.Ala200Val; replaces alanine 200 with valine.
Molecular consequence: missense variant.
Genome position (GRCh38, 1-based): chr14:23,431,801, G>A on the plus strand (C>T on the coding strand, the complement: MYH7 is on the minus strand). VCF-style: chr14-23431801-G-A. GRCh37 (hg19) VCF-style: chr14-23901010-G-A.
Other names: short protein forms A200V.
Identifiers: ClinVar variation 872517 (VCV000872517.43), dbSNP rs1892956157, ClinGen allele CA389052449.

ClinVar aggregate classification (germline): Likely pathogenic. Review status: criteria provided, multiple submitters, no conflicts (2 of 4 stars). 2 submissions from 2 submitters: Likely pathogenic (2). Last evaluated 2025-08-17.

Conditions:
Hypertrophic cardiomyopathy. Also called: HYPERTROPHIC MYOCARDIOPATHY. Identifiers: Orphanet 217569, MedGen C0007194, MeSH D002312, MONDO:0005045, HP:0001639.

Allele frequency attached by ClinVar (database versions not stated): gnomAD exomes below 0.00001.
gnomAD v4.1: 1 of 1,614,254 alleles (0.000062%); highest among the groups gnomAD compares: Non-Finnish European, 0.000085%; no homozygotes.

Submissions (2):

Labcorp Genetics (formerly Invitae), Labcorp
Classification: Likely pathogenic for Hypertrophic cardiomyopathy. Last evaluated: 2025-08-17. Review status: criteria provided, single submitter. Criteria: Invitae Variant Classification Sherloc (09022015). Collection method: clinical testing. Allele origin: germline.
Comment: This sequence change replaces alanine, which is neutral and non-polar, with valine, which is neutral and non-polar, at codon 200 of the MYH7 protein (p.Ala200Val). This variant is not present in population databases (gnomAD no frequency). This missense change has been observed in individuals with hypertrophic cardiomyopathy (PMID: 29101517, 32380161; internal data). ClinVar contains an entry for this variant (Variation ID: 872517). Invitae Evidence Modeling of protein sequence and biophysical properties (such as structural, functional, and spatial information, amino acid conservation, physicochemical variation, residue mobility, and thermodynamic stability) indicates that this missense variant is expected to disrupt MYH7 protein function with a positive predictive value of 95%. In summary, the currently available evidence indicates that the variant is pathogenic, but additional data are needed to prove that conclusively. Therefore, this variant has been classified as Likely Pathogenic.

CeGaT Center for Human Genetics Tuebingen
Classification: Likely pathogenic. Last evaluated: 2019-07-01. Review status: criteria provided, single submitter. Criteria: CeGaT Center For Human Genetics Tuebingen Variant Classification Criteria Version 2. Collection method: clinical testing. Allele origin: germline. Affected: yes. Observed: 1 variant allele.

Literature cited by the submitters: PubMed 29101517 (cited by Labcorp Genetics (formerly Invitae), Labcorp); PubMed 32380161 (cited by Labcorp Genetics (formerly Invitae), Labcorp).